The following is an entry in ClinVar:

NM_173076.3(ABCA12):c.3623T>C (p.Met1208Thr)

Gene: ABCA12 (ATP binding cassette subfamily A member 12; minus strand). Cytogenetic location: 2q35.
Variant type: single nucleotide variant.
Coding change: c.3623T>C on transcript NM_173076.3 (MANE Select); coding-DNA position 3623, T replaced by C.
Protein change: p.Met1208Thr; replaces methionine 1208 with threonine.
Molecular consequence: missense variant. On other transcripts: non-coding transcript variant (1).
Genome position (GRCh38, 1-based): chr2:214,990,703, A>G on the plus strand (T>C on the coding strand, the complement: ABCA12 is on the minus strand). VCF-style: chr2-214990703-A-G. GRCh37 (hg19) VCF-style: chr2-215855427-A-G.
Other names: c.2669T>C, p.Met890Thr (NM_015657.4); short protein forms M1208T, M890T.
Identifiers: ClinVar variation 1938398 (VCV001938398.2), dbSNP rs1372985296, ClinGen allele CA350468058.

ClinVar aggregate classification (germline): Uncertain significance (1 of 4 stars; one submission).

Allele frequency attached by ClinVar (database versions not stated): gnomAD exomes below 0.00001.

Submission:

Labcorp Genetics (formerly Invitae), Labcorp
Classification: Uncertain significance. Last evaluated: 2022-06-14. Review status: criteria provided, single submitter. Criteria: Invitae Variant Classification Sherloc (09022015). Collection method: clinical testing. Allele origin: germline.
Comment: This sequence change replaces methionine, which is neutral and non-polar, with threonine, which is neutral and polar, at codon 1208 of the ABCA12 protein (p.Met1208Thr). This variant is present in population databases (no rsID available, gnomAD 0.003%). This variant has not been reported in the literature in individuals affected with ABCA12-related conditions. Algorithms developed to predict the effect of missense changes on protein structure and function are either unavailable or do not agree on the potential impact of this missense change (SIFT: "Deleterious"; PolyPhen-2: "Benign"; Align-GVGD: "Class C25"). In summary, the available evidence is currently insufficient to determine the role of this variant in disease. Therefore, it has been classified as a Variant of Uncertain Significance.